The following is an entry in ClinVar:

ClinVar aggregate classification (germline): Uncertain significance. Review status: criteria provided, multiple submitters, no conflicts (2 of 4 stars). 4 submissions from 4 submitters: Uncertain significance (3). 1 of the submissions does not count toward it. Last evaluated 2025-10-22.

Conditions:
DOK7-related disorder. Also called: DOK7-related condition.
Inborn genetic diseases. Identifiers: MedGen C0950123, MeSH D030342.
Fetal akinesia deformation sequence 1 (FADS1). Also called: Fetal akinesia sequence; Pena-Shokeir syndrome type I. Identifiers: Orphanet 994, MedGen C1276035, MONDO:0100101, OMIM 208150, HP:0001989.
Congenital myasthenic syndrome 10. Also called: Myasthenia, limb-girdle, familial. Identifiers: Orphanet 590, MedGen C1850792, MONDO:0009690, OMIM 254300.

Allele frequency attached by ClinVar (database versions not stated): gnomAD exomes 0.00008; gnomAD 0.00011 and 0.00012; TOPMed 0.00011; ExAC 0.00016; 1000 Genomes Project 0.00040.
gnomAD v4.1: 120 of 1,553,084 alleles (0.0077%); highest among the groups gnomAD compares: African/African-American, 0.016%; no homozygotes.

Submissions (4):

Ambry Genetics
Classification: Uncertain significance for Inborn genetic diseases. Last evaluated: 2025-10-22. Review status: criteria provided, single submitter. Criteria: Ambry Variant Classification Scheme 2023. Collection method: clinical testing. Allele origin: germline.

GeneDx
Classification: Uncertain significance. Last evaluated: 2025-03-10. Review status: criteria provided, single submitter. Criteria: GeneDx Variant Classification Process June 2021. Collection method: clinical testing. Allele origin: germline. Affected: yes.
Comment: In silico analysis supports that this missense variant has a deleterious effect on protein structure/function; Has not been previously published as pathogenic or benign to our knowledge

Labcorp Genetics (formerly Invitae), Labcorp
Classification: Uncertain significance for Congenital myasthenic syndrome 10; Fetal akinesia deformation sequence 1. Last evaluated: 2022-08-01. Review status: criteria provided, single submitter. Criteria: Invitae Variant Classification Sherloc (09022015). Collection method: clinical testing. Allele origin: germline.
Comment: This sequence change replaces proline, which is neutral and non-polar, with leucine, which is neutral and non-polar, at codon 324 of the DOK7 protein (p.Pro324Leu). This variant is present in population databases (rs546889092, gnomAD 0.02%). This variant has not been reported in the literature in individuals affected with DOK7-related conditions. ClinVar contains an entry for this variant (Variation ID: 423389). Algorithms developed to predict the effect of missense changes on protein structure and function are either unavailable or do not agree on the potential impact of this missense change (SIFT: "Deleterious"; PolyPhen-2: "Probably Damaging"; Align-GVGD: "Class C15"). In summary, the available evidence is currently insufficient to determine the role of this variant in disease. Therefore, it has been classified as a Variant of Uncertain Significance.

PreventionGenetics, part of Exact Sciences
Classification: Uncertain significance for DOK7-related condition. Last evaluated: 2023-12-11. Review status: no assertion criteria provided. Collection method: clinical testing. Allele origin: germline. Not counted in ClinVar's aggregate classification.
Comment: The DOK7 c.971C>T variant is predicted to result in the amino acid substitution p.Pro324Leu. To our knowledge, this variant has not been reported in the literature. This variant is reported in 0.018% of alleles in individuals of African descent in gnomAD. At this time, the clinical significance of this variant is uncertain due to the absence of conclusive functional and genetic evidence.

NM_173660.5(DOK7):c.971C>T (p.Pro324Leu)

Gene: DOK7 (docking protein 7; plus strand). Cytogenetic location: 4p16.3.
Variant type: single nucleotide variant.
Coding change: c.971C>T on transcript NM_173660.5 (MANE Select); coding-DNA position 971, C replaced by T.
Protein change: p.Pro324Leu; replaces proline 324 with leucine.
Molecular consequence: missense variant. On other transcripts: 3 prime UTR variant (1).
Genome position (GRCh38, 1-based): chr4:3,492,957, C>T. VCF-style: chr4-3492957-C-T. GRCh37 (hg19) VCF-style: chr4-3494684-C-T.
Other names: c.*192C>T (NM_001164673.2); c.41C>T, p.Pro14Leu (NM_001256896.2); c.971C>T, p.Pro324Leu (NM_001301071.2); c.539C>T, p.Pro180Leu (NM_001363811.2); short protein forms P324L, P14L, P180L.
Identifiers: ClinVar variation 423389 (VCV000423389.18), dbSNP rs546889092, ClinGen allele CA2829310.
Genomic context (GRCh38, chr4:3,492,957, plus strand): 5'-CCCAGGCCGCCGGGGAAGCCATGGTGGGTGCCTCAAGGCCACCCCCCAAGCCGCTGCGTC[C>T]GCGGCAGCTGCAGGAGGTTGGCCGCCAGAGCTCCTCGGACAGCGGCATCGCCACTGGCAG-3'
Protein context (NP_775931.3, residues 314-334): ASRPPPKPLR[Pro324Leu]RQLQEVGRQS